The following is an entry in ClinVar:

NM_001079.4(ZAP70):c.1339A>G (p.Met447Val)

Gene: ZAP70 (zeta chain of T cell receptor associated protein kinase 70; plus strand). Cytogenetic location: 2q11.2.
Variant type: single nucleotide variant.
Coding change: c.1339A>G on transcript NM_001079.4 (MANE Select); coding-DNA position 1339, A replaced by G.
Protein change: p.Met447Val; replaces methionine 447 with valine.
Molecular consequence: missense variant.
Genome position (GRCh38, 1-based): chr2:97,737,522, A>G. VCF-style: chr2-97737522-A-G. GRCh37 (hg19) VCF-style: chr2-98353985-A-G.
Other names: c.1339A>G, p.Met447Val (NM_001378594.1); c.418A>G, p.Met140Val (NM_207519.2); short protein forms M140V, M447V.
Identifiers: ClinVar variation 2057396 (VCV002057396.2), dbSNP rs775546124, ClinGen allele CA1790445.

ClinVar aggregate classification (germline): Uncertain significance. Review status: criteria provided, multiple submitters, no conflicts (2 of 4 stars). 2 submissions from 2 submitters: Uncertain significance (2). Last evaluated 2024-11-21.

Conditions:
Combined immunodeficiency due to ZAP70 deficiency (IMD48). Also called: Immunodeficiency 48; ZAP70 Deficiency. Identifiers: Orphanet 911, MedGen C2931299, MONDO:0010023, OMIM 269840.
Inborn genetic diseases. Identifiers: MedGen C0950123, MeSH D030342.

Allele frequency attached by ClinVar (database versions not stated): TOPMed 0.00008; ExAC 0.00008; gnomAD 0.00002.
gnomAD v4.1: 33 of 1,613,968 alleles (0.002%); highest among the groups gnomAD compares: Admixed American, 0.047%; no homozygotes.

Submissions (2):

Ambry Genetics
Classification: Uncertain significance for Inborn genetic diseases. Last evaluated: 2024-11-21. Review status: criteria provided, single submitter. Criteria: Ambry Variant Classification Scheme 2023. Collection method: clinical testing. Allele origin: germline.

Labcorp Genetics (formerly Invitae), Labcorp
Classification: Uncertain significance for Combined immunodeficiency due to ZAP70 deficiency. Last evaluated: 2022-10-18. Review status: criteria provided, single submitter. Criteria: Invitae Variant Classification Sherloc (09022015). Collection method: clinical testing. Allele origin: germline.
Comment: This sequence change replaces methionine, which is neutral and non-polar, with valine, which is neutral and non-polar, at codon 447 of the ZAP70 protein (p.Met447Val). This variant is present in population databases (rs775546124, gnomAD 0.07%). This variant has not been reported in the literature in individuals affected with ZAP70-related conditions. Algorithms developed to predict the effect of missense changes on protein structure and function are either unavailable or do not agree on the potential impact of this missense change (SIFT: "Not Available"; PolyPhen-2: "Benign"; Align-GVGD: "Not Available"). In summary, the available evidence is currently insufficient to determine the role of this variant in disease. Therefore, it has been classified as a Variant of Uncertain Significance.